The following is an entry in ClinVar:

ClinVar aggregate classification (germline): Uncertain significance (1 of 4 stars; one submission).

Submission:

Labcorp Genetics (formerly Invitae), Labcorp
Classification: Uncertain significance. Last evaluated: 2025-03-20. Review status: criteria provided, single submitter. Criteria: Invitae Variant Classification Sherloc (09022015). Collection method: clinical testing. Allele origin: germline.
Comment: This sequence change replaces asparagine, which is neutral and polar, with aspartic acid, which is acidic and polar, at codon 326 of the RHO protein (p.Asn326Asp). This variant is not present in population databases (gnomAD no frequency). This variant has not been reported in the literature in individuals affected with RHO-related conditions. Invitae Evidence Modeling of protein sequence and biophysical properties (such as structural, functional, and spatial information, amino acid conservation, physicochemical variation, residue mobility, and thermodynamic stability) has been performed for this missense variant. However, the output from this modeling did not meet the statistical confidence thresholds required to predict the impact of this variant on RHO protein function. In summary, the available evidence is currently insufficient to determine the role of this variant in disease. Therefore, it has been classified as a Variant of Uncertain Significance.

NM_000539.3(RHO):c.976A>G (p.Asn326Asp)

Gene: RHO (rhodopsin; plus strand). Cytogenetic location: 3q22.1.
Variant type: single nucleotide variant.
Coding change: c.976A>G on transcript NM_000539.3 (MANE Select); coding-DNA position 976, A replaced by G.
Protein change: p.Asn326Asp; replaces asparagine 326 with aspartic acid.
Molecular consequence: missense variant.
Genome position (GRCh38, 1-based): chr3:129,533,647, A>G. VCF-style: chr3-129533647-A-G. GRCh37 (hg19) VCF-style: chr3-129252490-A-G.
Other names: short protein forms N326D.
Identifiers: ClinVar variation 4710031 (VCV004710031.1).